The following is an entry in ClinVar:

NM_000179.3(MSH6):c.628-17C>A

Gene: MSH6 (mutS homolog 6; plus strand). Cytogenetic location: 2p16.3.
Variant type: single nucleotide variant.
Coding change: c.628-17C>A on transcript NM_000179.3 (MANE Select); 17 bases into the intron before coding-DNA position 628, C replaced by A.
Molecular consequence: intron variant.
Genome position (GRCh38, 1-based): chr2:47,798,594, C>A. VCF-style: chr2-47798594-C-A. GRCh37 (hg19) VCF-style: chr2-48025733-C-A.
Other names: c.-279-17C>A (NM_001281493.2); c.238-17C>A (NM_001281492.2); c.-275-21C>A (NM_001281494.2).
Identifiers: ClinVar variation 381343 (VCV000381343.17), dbSNP rs369971640, ClinGen allele CA1649442.
Genomic context (GRCh38, chr2:47,798,594, plus strand): 5'-ATCATAAGTTGAACTGTCTTACATTATGGTTTTCCAAATTTTGATTTGTTTTTAAATACT[C>A]TTTCCTTGCCTGGCAGGTAGGCACAACTTACGTAACAGATAAGAGTGAAGAAGATAATGA-3'

ClinVar aggregate classification (germline): Benign/Likely benign. Review status: criteria provided, multiple submitters, no conflicts (2 of 4 stars). 7 submissions from 7 submitters: Benign (3); Likely benign (4). Last evaluated 2026-01-24.

Conditions:
Lynch syndrome 5 (LYNCH5). Also called: Colorectal cancer, hereditary nonpolyposis, type 5; Hereditary non-polyposis colorectal cancer, type 5. Identifiers: Orphanet 144, MedGen C1833477, MONDO:0013710, OMIM 614350. Disease mechanism: loss of function.
Hereditary cancer-predisposing syndrome. Also called: Neoplastic Syndromes, Hereditary; Tumor predisposition; Hereditary Cancer Syndrome; Hereditary neoplastic syndrome. Identifiers: Orphanet 140162, MedGen C0027672, MeSH D009386, MONDO:0015356.
Hereditary nonpolyposis colorectal neoplasms. Identifiers: MedGen C0009405, MeSH D003123.

Allele frequency attached by ClinVar (database versions not stated): TOPMed 0.00004; ESP Exome Variant Server 0.00008; 1000 Genomes Project 0.00100; 1000 Genomes Project 30x 0.00109.
gnomAD v4.1: 431 of 1,606,224 alleles (0.027%); highest among the groups gnomAD compares: South Asian, 0.46%; 3 homozygotes.

Submissions (7):

Labcorp Genetics (formerly Invitae), Labcorp
Classification: Benign for Hereditary nonpolyposis colorectal neoplasms. Last evaluated: 2026-01-24. Review status: criteria provided, single submitter. Criteria: Invitae Variant Classification Sherloc (09022015). Collection method: clinical testing. Allele origin: germline.

Center for Genomic Medicine, Rigshospitalet, Copenhagen University Hospital
Classification: Likely benign. Last evaluated: 2025-03-04. Review status: criteria provided, single submitter. Criteria: ACMG Guidelines, 2015. Collection method: clinical testing. Allele origin: germline.

Myriad Genetics, Inc.
Classification: Benign for Lynch syndrome 5. Last evaluated: 2024-12-19. Review status: criteria provided, single submitter. Criteria: Myriad Autosomal Dominant, Autosomal Recessive and X-Linked Classification Criteria (2023). Collection method: clinical testing. Allele origin: unknown.
Comment: This variant is considered benign. This variant is intronic and is not expected to impact mRNA splicing. This variant is strongly associated with less severe personal and family histories of cancer, typical for individuals without pathogenic variants in this gene [PMID: 27363726]. This variant has been observed in conjunction with multiple pathogenic variants, reducing the likelihood this variant itself is pathogenic.

Blueprint Genetics
Classification: Likely benign. Last evaluated: 2024-09-20. Review status: criteria provided, single submitter. Criteria: ACMG Guidelines, 2015. Collection method: clinical testing. Allele origin: germline.

Color Diagnostics, LLC DBA Color Health
Classification: Benign for Hereditary cancer-predisposing syndrome. Last evaluated: 2016-05-29. Review status: criteria provided, single submitter. Criteria: ACMG Guidelines, 2015. Collection method: clinical testing. Allele origin: germline.

GeneDx
Classification: Likely benign. Last evaluated: 2016-05-19. Review status: criteria provided, single submitter. Criteria: GeneDx Variant Classification (06012015). Collection method: clinical testing. Allele origin: germline. Affected: yes.
Comment: This variant is considered likely benign or benign based on one or more of the following criteria: it is a conservative change, it occurs at a poorly conserved position in the protein, it is predicted to be benign by multiple in silico algorithms, and/or has population frequency not consistent with disease.

Ambry Genetics
Classification: Likely benign for Hereditary cancer-predisposing syndrome. Last evaluated: 2015-03-03. Review status: criteria provided, single submitter. Criteria: Ambry Variant Classification Scheme 2023. Collection method: clinical testing. Allele origin: germline.

Literature cited by the submitters: PubMed 27363726 (cited by Myriad Genetics, Inc.).